The following is an entry in ClinVar:

ClinVar aggregate classification (germline): Likely pathogenic (1 of 4 stars; one submission).

Conditions:
Hereditary hyperferritinemia with congenital cataracts. Also called: HYPERFERRITINEMIA WITH OR WITHOUT CATARACT; Hereditary hyperferritinemia cataract syndrome; Bonneau-Beaumont syndrome. Identifiers: Orphanet 163, MedGen C1833213, MONDO:0010952, OMIM 600886.
Neuroferritinopathy (NBIA3). Also called: NEURODEGENERATION WITH BRAIN IRON ACCUMULATION 3; BASAL GANGLIA DISEASE, ADULT-ONSET. Identifiers: Orphanet 157846, MedGen C1853578, MONDO:0011638, OMIM 606159.

Submission:

Labcorp Genetics (formerly Invitae), Labcorp
Classification: Likely pathogenic for Neuroferritinopathy; Hereditary hyperferritinemia with congenital cataracts. Last evaluated: 2025-12-22. Review status: criteria provided, single submitter. Criteria: Invitae Variant Classification Sherloc (09022015). Collection method: clinical testing. Allele origin: germline.
Comment: This variant occurs in a non-coding region of the FTL gene. It does not change the encoded amino acid sequence of the FTL protein. This variant is not present in population databases (gnomAD no frequency). This variant has been observed in individuals with clinical features of HHCS (PMID: 12730114; internal data). It has also been observed to segregate with disease in related individuals. This variant is also known as 34T>C. ClinVar contains an entry for this variant (Variation ID: 1052512). In summary, the currently available evidence indicates that the variant is pathogenic, but additional data are needed to prove that conclusively. Therefore, this variant has been classified as Likely Pathogenic.

Literature cited by the submitters: PubMed 12730114.

NM_000146.4(FTL):c.-166T>C

Gene: FTL (ferritin light chain; plus strand). Cytogenetic location: 19q13.33.
Variant type: single nucleotide variant.
Coding change: c.-166T>C on transcript NM_000146.4 (MANE Select); 166 bases upstream of the start codon, T replaced by C.
Molecular consequence: 5 prime UTR variant.
Genome position (GRCh38, 1-based): chr19:48,965,342, T>C. VCF-style: chr19-48965342-T-C. GRCh37 (hg19) VCF-style: chr19-49468599-T-C.
Identifiers: ClinVar variation 1052512 (VCV001052512.9), dbSNP rs2122429764, ClinGen allele CA2499225536.